The following is an entry in ClinVar:

NM_001184.4(ATR):c.3418A>G (p.Ser1140Gly)

Gene: ATR (ATR checkpoint kinase; minus strand). Cytogenetic location: 3q23.
Variant type: single nucleotide variant.
Coding change: c.3418A>G on transcript NM_001184.4 (MANE Select); coding-DNA position 3418, A replaced by G.
Protein change: p.Ser1140Gly; replaces serine 1140 with glycine.
Molecular consequence: missense variant.
Genome position (GRCh38, 1-based): chr3:142,542,697, T>C on the plus strand (A>G on the coding strand, the complement: ATR is on the minus strand). VCF-style: chr3-142542697-T-C. GRCh37 (hg19) VCF-style: chr3-142261539-T-C.
Other names: c.3226A>G, p.Ser1076Gly (NM_001354579.2); short protein forms S1076G, S1140G.
Identifiers: ClinVar variation 2430506 (VCV002430506.2), dbSNP rs2034097384, ClinGen allele CA354809234.
Genomic context (GRCh38, chr3:142,542,697, plus strand): 5'-TTAGCACTCTGGAACTATCACCACTTACCATTTTCTTATCTTCAATGCCAACACTAGAGC[T>C]CAGTAACTGCATGTTAAAAAAAGCCAAAATGCCCAACAATTTGGGTTGTAAATAATCAGC-3'
Protein context (NP_001175.2, residues 1130-1150): ILAFFNMQLL[Ser1140Gly]SSVGIEDKKM

ClinVar aggregate classification (germline): Uncertain significance. Review status: criteria provided, multiple submitters, no conflicts (2 of 4 stars). 2 submissions from 2 submitters: Uncertain significance (2). Last evaluated 2023-10-22.

Conditions:
Inborn genetic diseases. Identifiers: MedGen C0950123, MeSH D030342.

Allele frequency attached by ClinVar (database versions not stated): TOPMed below 0.00001; gnomAD 0.00001.
gnomAD v4.1: 1 of 1,613,330 alleles (0.000062%); highest among the groups gnomAD compares: Non-Finnish European, 0.000085%; no homozygotes.

Submissions (2):

Ambry Genetics
Classification: Uncertain significance for Inborn genetic diseases. Last evaluated: 2023-10-22. Review status: criteria provided, single submitter. Criteria: Ambry Variant Classification Scheme 2023. Collection method: clinical testing. Allele origin: germline.
Comment: The p.S1140G variant (also known as c.3418A>G), located in coding exon 17 of the ATR gene, results from an A to G substitution at nucleotide position 3418. The serine at codon 1140 is replaced by glycine, an amino acid with similar properties. This amino acid position is conserved. In addition, the in silico prediction for this alteration is inconclusive. Since supporting evidence is limited at this time, the clinical significance of this alteration remains unclear.

GeneDx
Classification: Uncertain significance. Last evaluated: 2022-08-20. Review status: criteria provided, single submitter. Criteria: GeneDx Variant Classification Process June 2021. Collection method: clinical testing. Allele origin: germline. Affected: yes.
Comment: Not observed at significant frequency in large population cohorts (gnomAD); In silico analysis supports that this missense variant does not alter protein structure/function; Has not been previously published as pathogenic or benign to our knowledge